The following is an entry in ClinVar:

ClinVar aggregate classification (germline): Benign. Review status: reviewed by expert panel (3 of 4 stars). 38 submissions from 38 submitters: Benign (1). 37 of the submissions do not count toward it. Last evaluated 2022-03-09.

Conditions:
ATM-related cancer predisposition. Also called: ATM-related cancer susceptibility. Identifiers: MedGen CN377759, MONDO:0700270.
Hereditary cancer-predisposing syndrome. Also called: Hereditary neoplastic syndrome; Hereditary Cancer Syndrome; Neoplastic Syndromes, Hereditary; Tumor predisposition. Identifiers: Orphanet 140162, MedGen C0027672, MeSH D009386, MONDO:0015356.
Hereditary breast ovarian cancer syndrome. Also called: Hereditary breast and ovarian cancer syndrome; Hereditary breast and ovarian cancer syndrome (HBOC); Breast and ovarian cancer; Hereditary breast and/or ovarian cancer syndrome; BRCA1- and BRCA2-Associated Hereditary Breast and Ovarian Cancer; Hereditary breast and ovarian cancer. Identifiers: Orphanet 145, MedGen C0677776, MeSH D061325, MONDO:0003582. Disease mechanism: loss of function.
Familial cancer of breast. Also called: hereditary breast carcinoma; BREAST CANCER, FAMILIAL; Hereditary breast cancer. Identifiers: Orphanet 227535, MedGen C0346153, MONDO:0016419, OMIM 114480. Disease mechanism: loss of function.
Breast cancer, susceptibility to. Identifiers: MedGen C3469522. Disease mechanism: gain of function.
Ataxia-telangiectasia syndrome (AT). Also called: AT, COMPLEMENTATION GROUP C; ATAXIA-TELANGIECTASIA, COMPLEMENTATION GROUP A; ATAXIA-TELANGIECTASIA, FRESNO VARIANT; Ataxia-telangiectasia, complementation group D; Cerebello-oculocutaneous telangiectasia; Immunodeficiency with ataxia telangiectasia. Identifiers: Orphanet 100, MedGen C0004135, MONDO:0008840, OMIM 208900.
Tip-toe gait. Also called: Toe walking. Identifiers: MedGen C0427144, HP:0030051.
Malignant tumor of breast. Also called: Malignant breast neoplasm; Cancer breast. Identifiers: MedGen C0006142, MONDO:0007254. Disease mechanism: loss of function.

Allele frequency attached by ClinVar (database versions not stated): 1000 Genomes Project 30x 0.00484; gnomAD exomes 0.00712; ExAC 0.00737; TOPMed 0.00776; 1000 Genomes Project 0.00419.
gnomAD v4.1: 17,780 of 1,613,258 alleles (1.1%); highest among the groups gnomAD compares: Non-Finnish European, 1.4%; 132 homozygotes.

Submissions 1 to 18 of 38:

ClinGen Hereditary Breast, Ovarian and Pancreatic Cancer Variant Curation Expert Panel, ClinGen
Classification: Benign for ATM-related cancer predisposition. Last evaluated: 2022-03-09. Review status: reviewed by expert panel. Criteria: clingen hbop acmg specifications atm v1-1. Collection method: curation. Allele origin: germline. Inheritance: Autosomal dominant inheritance.
Comment: The ATM c.146C>G (p.Ser49Cys) variant has a GnomAD (v2.1.1) filtering allele frequency of 1.208% (NFE) which is above the ATM BA1 threshold of .5% (BA1). This variant has been observed in a homozygous and/or compound heterozygous state (presumed) in multiple individuals without Ataxia-Telangiectasia (Laboratory data) (BP2_Strong). In summary, this variant meets criteria to be classified as benign based on the ACMG/AMP criteria applied as specified by the HBOP Variant Curation Expert Panel.

CeGaT Center for Human Genetics Tuebingen
Classification: Benign. Last evaluated: 2026-10-01. Review status: criteria provided, single submitter. Criteria: CeGaT Center For Human Genetics Tuebingen Variant Classification Criteria Version 2. Collection method: clinical testing. Allele origin: germline. Affected: yes. Observed: 167 variant alleles. Not counted in ClinVar's aggregate classification.
Comment: ATM: BP4, BS1, BS2

Labcorp Genetics (formerly Invitae), Labcorp
Classification: Benign for Ataxia-telangiectasia syndrome. Last evaluated: 2026-02-04. Review status: criteria provided, single submitter. Criteria: Invitae Variant Classification Sherloc (09022015). Collection method: clinical testing. Allele origin: germline. Not counted in ClinVar's aggregate classification.

ARUP Laboratories, Molecular Genetics and Genomics, ARUP Laboratories
Classification: Benign. Last evaluated: 2025-07-24. Review status: criteria provided, single submitter. Criteria: ARUP Molecular Germline Variant Investigation Process 2024. Collection method: clinical testing. Allele origin: germline. Not counted in ClinVar's aggregate classification.

Laboratorio de I+D, Fundación Centro Médico de Asturias
Classification: Benign for Hereditary cancer-predisposing syndrome. Last evaluated: 2025-07-08. Review status: criteria provided, single submitter. Criteria: ACMG Guidelines, 2015. Collection method: clinical testing. Allele origin: germline. Not counted in ClinVar's aggregate classification.
Comment: BS1+BS2+BP4_Strong+BP1

Athena Diagnostics
Classification: Benign. Last evaluated: 2025-06-19. Review status: criteria provided, single submitter. Criteria: Athena Diagnostics Criteria. Collection method: clinical testing. Allele origin: unknown. Not counted in ClinVar's aggregate classification.
Comment: The frequency of this variant in the general population is higher than would generally be expected for pathogenic variants in this gene. This variant has been seen where an alternate explanation for disease was also identified.

Center for Genomic Medicine, Rigshospitalet, Copenhagen University Hospital
Classification: Benign. Last evaluated: 2025-03-04. Review status: criteria provided, single submitter. Criteria: ACMG Guidelines, 2015. Collection method: clinical testing. Allele origin: germline. Not counted in ClinVar's aggregate classification.

Blueprint Genetics
Classification: Likely benign. Last evaluated: 2024-11-26. Review status: criteria provided, single submitter. Criteria: ACMG Guidelines, 2015. Collection method: clinical testing. Allele origin: germline. Not counted in ClinVar's aggregate classification.

Myriad Genetics, Inc.
Classification: Benign for Familial cancer of breast. Last evaluated: 2024-04-17. Review status: criteria provided, single submitter. Criteria: Myriad Autosomal Dominant, Autosomal Recessive and X-Linked Classification Criteria (2023). Collection method: clinical testing. Allele origin: unknown. Not counted in ClinVar's aggregate classification.
Comment: This variant is considered benign. This variant has been observed at a population frequency that is significantly greater than expected given the associated disease prevalence and penetrance. This variant is strongly associated with less severe personal and family histories of cancer, typical for individuals without pathogenic variants in this gene [PMID: 25085752].

KCCC/NGS Laboratory, Kuwait Cancer Control Center
Classification: Benign for Familial cancer of breast. Last evaluated: 2023-07-07. Review status: criteria provided, single submitter. Criteria: ACMG Guidelines, 2015. Collection method: clinical testing. Allele origin: germline. Affected: yes. Not counted in ClinVar's aggregate classification.

Mayo Clinic Laboratories, Mayo Clinic
Classification: Benign. Last evaluated: 2022-11-04. Review status: criteria provided, single submitter. Criteria: ACMG Guidelines, 2015. Collection method: clinical testing. Allele origin: germline. Observed: 81 variant alleles. Not counted in ClinVar's aggregate classification.
Comment: BA1, BP4

National Health Laboratory Service, Universitas Academic Hospital and University of the Free State
Classification: Benign for Hereditary breast ovarian cancer syndrome. Last evaluated: 2022-04-19. Review status: criteria provided, single submitter. Criteria: ACMG Guidelines, 2015. Collection method: clinical testing. Allele origin: germline. Affected: yes. Observed: 3 variant alleles. Not counted in ClinVar's aggregate classification.

Genome-Nilou Lab
Classification: Benign for Ataxia-telangiectasia syndrome. Last evaluated: 2021-07-01. Review status: criteria provided, single submitter. Criteria: ACMG Guidelines, 2015. Collection method: clinical testing. Allele origin: germline. Affected: no. Not counted in ClinVar's aggregate classification.

Genetic Services Laboratory, University of Chicago
Classification: Benign. Last evaluated: 2021-05-17. Review status: criteria provided, single submitter. Criteria: ACMG Guidelines, 2015. Collection method: clinical testing. Allele origin: germline. Affected: no. Not counted in ClinVar's aggregate classification.

Quest Diagnostics Nichols Institute San Juan Capistrano
Classification: Benign. Last evaluated: 2021-05-07. Review status: criteria provided, single submitter. Criteria: Quest Diagnostics criteria. Collection method: clinical testing. Allele origin: unknown. Not counted in ClinVar's aggregate classification.

Practice for Gait Abnormalities, David Pomarino, Competency Network Toe Walking C/o Practice Pomarino
Classification: Uncertain significance for Tip-toe gait. Last evaluated: 2020-10-06. Review status: criteria provided, single submitter. Criteria: ACMG Guidelines, 2015. Collection method: clinical testing. Allele origin: unknown. Affected: yes. Observed: 1 variant allele, 1 heterozygote. Not counted in ClinVar's aggregate classification.

Sema4
Classification: Benign for Hereditary cancer-predisposing syndrome. Last evaluated: 2020-06-08. Review status: criteria provided, single submitter. Criteria: Sema4 Curation Guidelines. Collection method: curation. Allele origin: germline. Not counted in ClinVar's aggregate classification.

GeneKor MSA
Classification: Likely benign for Hereditary cancer-predisposing syndrome. Last evaluated: 2018-08-01. Review status: criteria provided, single submitter. Criteria: ACMG Guidelines, 2015. Collection method: clinical testing. Allele origin: germline. Affected: yes. Not counted in ClinVar's aggregate classification.

NM_000051.4(ATM):c.146C>G (p.Ser49Cys)

Gene: ATM (ATM serine/threonine kinase; plus strand). Cytogenetic location: 11q22.3.
Variant type: single nucleotide variant.
Coding change: c.146C>G on transcript NM_000051.4 (MANE Select); coding-DNA position 146, C replaced by G.
Protein change: p.Ser49Cys; replaces serine 49 with cysteine.
Molecular consequence: missense variant.
Genome position (GRCh38, 1-based): chr11:108,227,849, C>G. VCF-style: chr11-108227849-C-G. GRCh37 (hg19) VCF-style: chr11-108098576-C-G.
Other names: p.S49C:TCC>TGC; NM_000051.3(ATM):c.146C>G; NP_000042.3:p.Ser49Cys; c.146C>G, p.Ser49Cys (NM_001351834.2, NM_001351835.2, NM_001351836.2); short protein forms S49C.
Identifiers: ClinVar variation 3048 (VCV000003048.114), dbSNP rs1800054, ClinGen allele CA202190.